The following is an entry in ClinVar:

ClinVar aggregate classification (germline): Benign (1 of 4 stars; one submission).

Allele frequency attached by ClinVar (database versions not stated): gnomAD 0.00382.

Submission:

CeGaT Center for Human Genetics Tuebingen
Classification: Benign. Last evaluated: 2025-04-01. Review status: criteria provided, single submitter. Criteria: CeGaT Center For Human Genetics Tuebingen Variant Classification Criteria Version 2. Collection method: clinical testing. Allele origin: germline. Affected: yes. Observed: 8 variant alleles.
Comment: DSPP: BS1, BS2

NM_014208.3(DSPP):c.3364_3372del (p.Asn1122_Ser1124del)

Genes: DMP1-AS1 (DMP1 and DSPP antisense RNA 1; minus strand), DSPP (dentin sialophosphoprotein; plus strand). Cytogenetic location: 4q22.1.
Variant type: Deletion.
Coding change: c.3364_3372del on transcript NM_014208.3 (MANE Select); coding-DNA positions 3364 to 3372, 9 bases deleted (AATAGCAGT; older notation c.3364_3372delAATAGCAGT).
Protein change: p.Asn1122_Ser1124del.
Molecular consequence: inframe deletion.
Genome position (GRCh38, 1-based): chr4:87,616,026-87,616,034, AATAGCAGT deleted. VCF-style (leftmost placement, unchanged base first): chr4-87616025-CAATAGCAGT-C. GRCh37 (hg19) VCF-style: chr4-88537177-CAATAGCAGT-C.
Identifiers: ClinVar variation 2654912 (VCV002654912.24), dbSNP rs1560480459, ClinGen allele CA3001628.